The following is an entry in ClinVar:

ClinVar aggregate classification (germline): Uncertain significance. Review status: criteria provided, multiple submitters, no conflicts (2 of 4 stars). 2 submissions from 2 submitters: Uncertain significance (2). Last evaluated 2024-07-24.

Conditions:
Developmental and epileptic encephalopathy, 9 (DEE9). Also called: EPILEPSY, FEMALE-RESTRICTED, WITH MENTAL RETARDATION; Early infantile epileptic encephalopathy 9; JUBERG-HELLMAN SYNDROME; PCDH19-Related X-Linked Female-Limited Epilepsy with Mental Retardation. Identifiers: Orphanet 101039, Orphanet 2076, MedGen C1848137, MONDO:0010246, OMIM 300088. Disease mechanism: loss of function.

Submissions (2):

GeneDx
Classification: Uncertain significance. Last evaluated: 2024-07-24. Review status: criteria provided, single submitter. Criteria: GeneDx Variant Classification Process June 2021. Collection method: clinical testing. Allele origin: germline. Affected: yes.
Comment: Not observed at significant frequency in large population cohorts (gnomAD); Missense variants in this gene are a common cause of disease and they are underrepresented in the general population; In silico analysis supports that this missense variant has a deleterious effect on protein structure/function; Has not been previously published as pathogenic or benign to our knowledge

Labcorp Genetics (formerly Invitae), Labcorp
Classification: Uncertain significance for Developmental and epileptic encephalopathy, 9. Last evaluated: 2020-10-20. Review status: criteria provided, single submitter. Criteria: Invitae Variant Classification Sherloc (09022015). Collection method: clinical testing. Allele origin: germline.
Comment: This sequence change replaces isoleucine with asparagine at codon 208 of the PCDH19 protein (p.Ile208Asn). The isoleucine residue is highly conserved and there is a large physicochemical difference between isoleucine and asparagine. This variant is not present in population databases (ExAC no frequency). This variant has not been reported in the literature in individuals with PCDH19-related conditions. ClinVar contains an entry for this variant (Variation ID: 206318). Advanced modeling of protein sequence and biophysical properties (such as structural, functional, and spatial information, amino acid conservation, physicochemical variation, residue mobility, and thermodynamic stability) performed at Invitae indicates that this missense variant is expected to disrupt PCDH19 protein function. In summary, the available evidence is currently insufficient to determine the role of this variant in disease. Therefore, it has been classified as a Variant of Uncertain Significance.

NM_001184880.2(PCDH19):c.623T>A (p.Ile208Asn)

Gene: PCDH19 (protocadherin 19; minus strand). Cytogenetic location: Xq22.1.
Variant type: single nucleotide variant.
Coding change: c.623T>A on transcript NM_001184880.2 (MANE Select); coding-DNA position 623, T replaced by A.
Protein change: p.Ile208Asn; replaces isoleucine 208 with asparagine.
Molecular consequence: missense variant.
Genome position (GRCh38, 1-based): chrX:100,407,975, A>T on the plus strand (T>A on the coding strand, the complement: PCDH19 is on the minus strand). VCF-style: chrX-100407975-A-T. GRCh37 (hg19) VCF-style: chrX-99662973-A-T.
Other names: p.I208N:ATC>AAC; c.623T>A, p.Ile208Asn (NM_001105243.2, NM_020766.3); short protein forms I208N.
Identifiers: ClinVar variation 206318 (VCV000206318.13), dbSNP rs796052804, ClinGen allele CA316310.